The following is an entry in ClinVar:

ClinVar aggregate classification (germline): Pathogenic (1 of 4 stars; one submission).

Conditions:
Fanconi anemia (FA). Also called: Fanconi's anemia. Identifiers: Orphanet 84, MedGen C0015625, MeSH D005199, MONDO:0019391.

Submission:

Labcorp Genetics (formerly Invitae), Labcorp
Classification: Pathogenic for Fanconi anemia. Last evaluated: 2023-08-23. Review status: criteria provided, single submitter. Criteria: Invitae Variant Classification Sherloc (09022015). Collection method: clinical testing. Allele origin: germline.
Comment: For these reasons, this variant has been classified as Pathogenic. Algorithms developed to predict the effect of sequence changes on RNA splicing suggest that this variant may disrupt the consensus splice site. This variant has not been reported in the literature in individuals affected with FANCG-related conditions. This variant is not present in population databases (gnomAD no frequency). This sequence change creates a premature translational stop signal (p.Gly390Alafs*5) in the FANCG gene. It is expected to result in an absent or disrupted protein product. Loss-of-function variants in FANCG are known to be pathogenic (PMID: 12552564).

Literature cited by the submitters: PubMed 12552564.

NM_004629.2(FANCG):c.1167_1168del (p.Gly390fs)

Gene: FANCG (FA complementation group G; minus strand). Cytogenetic location: 9p13.3.
Variant type: Deletion.
Coding change: c.1167_1168del on transcript NM_004629.2 (MANE Select); coding-DNA positions 1167 to 1168, 2 bases deleted (AG; older notation c.1167_1168delAG).
Protein change: p.Gly390fs; shifts the reading frame from glycine 390.
Molecular consequence: frameshift variant.
Genome position (GRCh38, 1-based): chr9:35,075,730-35,075,731, CT deleted on the plus strand (AG on the coding strand, the reverse complement: FANCG is on the minus strand). VCF-style (leftmost placement, unchanged base first): chr9-35075729-CCT-C. GRCh37 (hg19) VCF-style: chr9-35075726-CCT-C.
Other names: short protein forms G390fs.
Identifiers: ClinVar variation 2754770 (VCV002754770.3), dbSNP rs2490398313, ClinGen allele CA2697557738.